The following is an entry in ClinVar:

NM_000297.4(PKD2):c.1187C>G (p.Ser396Ter)

Gene: PKD2 (polycystin 2, transient receptor potential cation channel; plus strand). Cytogenetic location: 4q22.1.
Variant type: single nucleotide variant.
Coding change: c.1187C>G on transcript NM_000297.4 (MANE Select); coding-DNA position 1187, C replaced by G.
Protein change: p.Ser396Ter; replaces serine 396 with a stop codon.
Molecular consequence: nonsense. On other transcripts: non-coding transcript variant (1).
Genome position (GRCh38, 1-based): chr4:88,043,325, C>G. VCF-style: chr4-88043325-C-G. GRCh37 (hg19) VCF-style: chr4-88964477-C-G.
Other names: c.1187C>G (NM_000297.3); short protein forms S396*.
Identifiers: ClinVar variation 3370348 (VCV003370348.2).

ClinVar aggregate classification (germline): Pathogenic/Likely pathogenic. Review status: criteria provided, multiple submitters, no conflicts (2 of 4 stars). 2 submissions from 2 submitters: Pathogenic (1); Likely pathogenic (1). Last evaluated 2025-01-22.

Conditions:
PKD2-related disorder. Also called: PKD2-related condition.
Polycystic kidney disease 2 (PKD2). Also called: Polycystic Kidney Disease 2, Autosomal Dominant; POLYCYSTIC KIDNEY DISEASE, ADULT, TYPE II; POLYCYSTIC KIDNEY DISEASE 2 WITH OR WITHOUT POLYCYSTIC LIVER DISEASE. Identifiers: MedGen C2751306, MONDO:0013131, OMIM 613095.

Submissions (2):

PreventionGenetics, part of Exact Sciences
Classification: Likely pathogenic for PKD2-related condition. Last evaluated: 2025-01-22. Review status: criteria provided, single submitter. Criteria: ACMG Guidelines, 2015. Collection method: clinical testing. Allele origin: germline.
Comment: The PKD2 c.1187C>G variant is predicted to result in premature protein termination (p.Ser396*). To our knowledge, this variant has not been reported in the literature or in a large population database (gnomAD), indicating this variant is rare. Nonsense variants in PKD2 are expected to be pathogenic. This variant is interpreted as likely pathogenic.

MVZ Medizinische Genetik Mainz
Classification: Pathogenic for Polycystic kidney disease 2. Last evaluated: 2024-09-23. Review status: criteria provided, single submitter. Criteria: UK Practice Guidelines For Variant Classification V4 01 2020. Collection method: clinical testing. Allele origin: germline. Inheritance: Autosomal dominant inheritance. Affected: yes. Observed: 1 variant allele.
Comment: ACMG Criteria: PVS1,PM2_SUP,PP4